The following is an entry in ClinVar:

NM_003482.4(KMT2D):c.15110AGG[1] (p.Glu5038del)

Gene: KMT2D (lysine methyltransferase 2D; minus strand). Cytogenetic location: 12q13.12.
Variant type: Microsatellite.
Coding change: c.15110AGG[1] on transcript NM_003482.4 (MANE Select); one copy of the 3-base unit AGG starting at c.15110; the reference has two copies in a row; one copy, 3 bases deleted; also written c.15113_15115del.
Protein change: p.Glu5038del; deletes glutamic acid 5038.
Molecular consequence: inframe deletion.
Genome position (GRCh38, 1-based): chr12:49,026,851-49,026,853, CCT deleted on the plus strand (AGG on the coding strand, the reverse complement: KMT2D is on the minus strand); deleting any 3 consecutive bases within chr12:49,026,851-49,026,857 gives the same sequence; the position shown is the placement nearest the transcript's 3' end. VCF-style (leftmost placement, unchanged base first): chr12-49026850-CCCT-C. GRCh37 (hg19) VCF-style: chr12-49420633-CCCT-C.
Other names: c.15113_15115del (NM_003482.4); short protein forms E5038del.
Identifiers: ClinVar variation 981666 (VCV000981666.4), dbSNP rs1942619753, ClinGen allele CA2034943572.

ClinVar aggregate classification (germline): Likely pathogenic. Review status: criteria provided, single submitter (1 of 4 stars). 2 submissions from 2 submitters: Likely pathogenic (1). 1 of the submissions does not count toward it. Last evaluated 2025-11-13.

Conditions:
Kabuki syndrome 1 (KABUK1). Also called: KMT2D-Related Kabuki Syndrome. Identifiers: Orphanet 2322, MedGen CN030661, MONDO:0007843, OMIM 147920.

Submissions (2):

Dasa
Classification: Likely pathogenic for Kabuki syndrome 1. Last evaluated: 2025-11-13. Review status: criteria provided, single submitter. Criteria: DASA Assertion Criteria. Collection method: clinical testing. Allele origin: germline.
Comment: NM_003482.4(KMT2D):c.15113_15115del (p.Glu5038del) is an in-frame deletion predicted to remove glutamic acid at protein position 5038 without shifting the reading frame. De novo occurrence has been reported in an individual with KMT2D-related disorders. This variant is absent from population databases. Based on the currently available evidence, this variant is classified as likely pathogenic.

Autoinflammatory diseases unit, CHU de Montpellier
Classification: Likely pathogenic for Kabuki syndrome 1. Last evaluated: 2016-11-18. Review status: no assertion criteria provided. Collection method: clinical testing. Allele origin: de novo. Affected: yes. Not counted in ClinVar's aggregate classification.